The following is an entry in ClinVar:

NM_001114134.2(EPB42):c.-3A>G

Gene: EPB42 (erythrocyte membrane protein band 4.2; minus strand). Cytogenetic location: 15q15.2.
Variant type: single nucleotide variant.
Coding change: c.-3A>G on transcript NM_001114134.2 (MANE Select); 3 bases upstream of the start codon, A replaced by G.
Molecular consequence: 5 prime UTR variant.
Genome position (GRCh38, 1-based): chr15:43,220,828, T>C on the plus strand (A>G on the coding strand, the complement: EPB42 is on the minus strand). VCF-style: chr15-43220828-T-C. GRCh37 (hg19) VCF-style: chr15-43513026-T-C.
Other names: c.-3A>G (NM_000119.3).
Identifiers: ClinVar variation 3047608 (VCV003047608.2), dbSNP rs2542565866, ClinGen allele CA2740097267.

ClinVar aggregate classification (germline): Likely benign (0 of 4 stars; one submission).

Conditions:
EPB42-related disorder. Also called: EPB42-related condition.

Submission:

PreventionGenetics, part of Exact Sciences
Classification: Likely benign for EPB42-related condition. Last evaluated: 2023-05-11. Review status: no assertion criteria provided. Collection method: clinical testing. Allele origin: germline.
Comment: This variant is classified as likely benign based on ACMG/AMP sequence variant interpretation guidelines (Richards et al. 2015 PMID: 25741868, with internal and published modifications).